The following is an entry in ClinVar:

ClinVar aggregate classification (germline): Uncertain significance (1 of 4 stars; one submission).

Conditions:
Familial cancer of breast. Also called: hereditary breast carcinoma; Hereditary breast cancer; BREAST CANCER, FAMILIAL. Identifiers: Orphanet 227535, MedGen C0346153, MONDO:0016419, OMIM 114480. Disease mechanism: loss of function.

Submission:

Labcorp Genetics (formerly Invitae), Labcorp
Classification: Uncertain significance for Familial cancer of breast. Last evaluated: 2021-04-08. Review status: criteria provided, single submitter. Criteria: Invitae Variant Classification Sherloc (09022015). Collection method: clinical testing. Allele origin: germline.
Comment: This sequence change replaces lysine with glutamic acid at codon 684 of the BARD1 protein (p.Lys684Glu). The lysine residue is highly conserved and there is a small physicochemical difference between lysine and glutamic acid. This variant is not present in population databases (ExAC no frequency). This variant has not been reported in the literature in individuals with BARD1-related conditions. Algorithms developed to predict the effect of missense changes on protein structure and function are either unavailable or do not agree on the potential impact of this missense change (SIFT: "Deleterious"; PolyPhen-2: "Benign"; Align-GVGD: "Class C0"). In summary, the available evidence is currently insufficient to determine the role of this variant in disease. Therefore, it has been classified as a Variant of Uncertain Significance.

NM_000465.4(BARD1):c.2050A>G (p.Lys684Glu)

Gene: BARD1 (BRCA1 associated RING domain 1; minus strand). Cytogenetic location: 2q35.
Variant type: single nucleotide variant.
Coding change: c.2050A>G on transcript NM_000465.4 (MANE Select); coding-DNA position 2050, A replaced by G.
Protein change: p.Lys684Glu; replaces lysine 684 with glutamic acid.
Molecular consequence: missense variant. On other transcripts: non-coding transcript variant (3).
Genome position (GRCh38, 1-based): chr2:214,728,960, T>C on the plus strand (A>G on the coding strand, the complement: BARD1 is on the minus strand). VCF-style: chr2-214728960-T-C. GRCh37 (hg19) VCF-style: chr2-215593684-T-C.
Other names: c.1993A>G, p.Lys665Glu (NM_001282543.2); c.697A>G, p.Lys233Glu (NM_001282545.2); c.640A>G, p.Lys214Glu (NM_001282548.2); c.511A>G, p.Lys171Glu (NM_001282549.2); short protein forms K684E, K214E, K665E, K171E, K233E.
Identifiers: ClinVar variation 1495654 (VCV001495654.9), dbSNP rs1559372578, ClinGen allele CA350450723.